The following is an entry in ClinVar:

NM_000245.4(MET):c.3793G>A (p.Asp1265Asn)

Gene: MET (MET proto-oncogene, receptor tyrosine kinase; plus strand). Cytogenetic location: 7q31.2.
Variant type: single nucleotide variant.
Coding change: c.3793G>A on transcript NM_000245.4 (MANE Select); coding-DNA position 3793, G replaced by A.
Protein change: p.Asp1265Asn; replaces aspartic acid 1265 with asparagine.
Molecular consequence: missense variant.
Genome position (GRCh38, 1-based): chr7:116,783,464, G>A. VCF-style: chr7-116783464-G-A. GRCh37 (hg19) VCF-style: chr7-116423518-G-A.
Other names: c.3847G>A, p.Asp1283Asn (NM_001127500.3); c.2503G>A, p.Asp835Asn (NM_001324402.2); short protein forms D1265N, D1283N, D835N.
Identifiers: ClinVar variation 1315632 (VCV001315632.2), dbSNP rs45532942, ClinGen allele CA368992054.
Genomic context (GRCh38, chr7:116,783,464, plus strand): 5'-CTGCCAGTGAAGTGGATGGCTTTGGAAAGTCTGCAAACTCAAAAGTTTACCACCAAGTCA[G>A]ATGTGGTAATGTATTGGTTATCTCTGAGTTTCTCCTCTTTTACTTTCATATCCAACTTTT-3'
Protein context (NP_000236.2, residues 1255-1275): LQTQKFTTKS[Asp1265Asn]VWSFGVLLWE

ClinVar aggregate classification (germline): Uncertain significance (1 of 4 stars; one submission).

Submission:

GeneDx
Classification: Uncertain significance. Last evaluated: 2019-05-09. Review status: criteria provided, single submitter. Criteria: GeneDx Variant Classification Process June 2021. Collection method: clinical testing. Allele origin: germline. Affected: yes.
Comment: Not observed in large population cohorts (Lek et al., 2016); In silico analysis, which includes protein predictors and evolutionary conservation, supports a deleterious effect; Has not been previously published as pathogenic or benign to our knowledge